The following is an entry in ClinVar:

NM_000020.3(ACVRL1):c.230G>A (p.Cys77Tyr)

Gene: ACVRL1 (activin A receptor like type 1; plus strand). Cytogenetic location: 12q13.13.
Variant type: single nucleotide variant.
Coding change: c.230G>A on transcript NM_000020.3 (MANE Select); coding-DNA position 230, G replaced by A.
Protein change: p.Cys77Tyr; replaces cysteine 77 with tyrosine.
Molecular consequence: missense variant. On other transcripts: intron variant (1).
Genome position (GRCh38, 1-based): chr12:51,913,267, G>A. VCF-style: chr12-51913267-G-A. GRCh37 (hg19) VCF-style: chr12-52307051-G-A.
Other names: c.230G>A, p.Cys77Tyr (NM_001077401.2, NM_001406487.1, NM_001406488.1 and 6 more transcripts); c.61+732G>A (NM_001406495.1); short protein forms C77Y.
Identifiers: ClinVar variation 4709966 (VCV004709966.4).

ClinVar aggregate classification (germline): Conflicting classifications of pathogenicity. Review status: criteria provided, conflicting classifications (1 of 4 stars). 3 submissions from 3 submitters: Pathogenic (1); Likely pathogenic (1); Uncertain significance (1). Last evaluated 2025-12-06.

Conditions:
ACVRL1-related disorder. Also called: ACVRL1-related condition; ACVRL1-related disorders.
Telangiectasia, hereditary hemorrhagic, type 2 (HHT2). Also called: ACVRL1-Related Hereditary Hemorrhagic Telangiectasia; Telangiectasia, hereditary hemorrhagic, type II. Identifiers: Orphanet 774, MedGen C1838163, MONDO:0010880, OMIM 600376. Disease mechanism: loss of function.

Submissions (3):

Labcorp Genetics (formerly Invitae), Labcorp
Classification: Pathogenic for Telangiectasia, hereditary hemorrhagic, type 2. Last evaluated: 2025-12-06. Review status: criteria provided, single submitter. Criteria: Invitae Variant Classification Sherloc (09022015). Collection method: clinical testing. Allele origin: germline.
Comment: This sequence change replaces cysteine, which is neutral and slightly polar, with tyrosine, which is neutral and polar, at codon 77 of the ACVRL1 protein (p.Cys77Tyr). This variant is not present in population databases (gnomAD no frequency). This missense change has been observed in individual(s) with hereditary hemorrhagic telangiectasia (PMID: 17786384). Invitae Evidence Modeling of protein sequence and biophysical properties (such as structural, functional, and spatial information, amino acid conservation, physicochemical variation, residue mobility, and thermodynamic stability) indicates that this missense variant is expected to disrupt ACVRL1 protein function with a positive predictive value of 95%. This variant affects a cysteine residue located within the ACVRL1 protein ectodomain. Cysteine residues in this domain of ACVRL1 are involved in the formation of disulfide bridges critical for protein structure and stability (PMID: 22028876, 22718755, 22799562). In addition, missense substitutions within the ACVRL1 ectodomain affecting cysteine residues are overrepresented in patients with HHT (PMID: 20501893, 26176610 and an online resource). This variant disrupts the p.Cys77 amino acid residue in ACVRL1. Other variant(s) that disrupt this residue have been determined to be pathogenic (PMID: 17786384, 26176610; internal data). This suggests that this residue is clinically significant, and that variants that disrupt this residue are likely to be disease-causing. For these reasons, this variant has been classified as Pathogenic.

Dasa
Classification: Uncertain significance. Last evaluated: 2024-11-05. Review status: criteria provided, single submitter. Criteria: DASA Assertion Criteria. Collection method: clinical testing. Allele origin: germline.
Comment: NM_000020.3(ACVRL1):c.230G>A (p.Cys77Tyr) is a missense variant that results in the substitution of cysteine with tyrosine. The affected residue or protein region has prior evidence supporting clinical relevance. This variant is absent from population databases. Computational prediction algorithms are consistent with a deleterious effect. The currently available literature and clinical evidence are not sufficient to establish a definitive association between this variant and the reported condition. Therefore, this variant is classified as a variant of uncertain significance.

Blueprint Genetics
Classification: Likely pathogenic for ACVRL1-related disorders. Last evaluated: 2023-09-13. Review status: criteria provided, single submitter. Criteria: ACMG Guidelines, 2015. Collection method: clinical testing. Allele origin: germline. Affected: yes. Observed: 5 variant alleles.

Literature cited by the submitters: PubMed 17786384 (cited by Labcorp Genetics (formerly Invitae), Labcorp); PubMed 22028876 (cited by Labcorp Genetics (formerly Invitae), Labcorp); PubMed 22718755 (cited by Labcorp Genetics (formerly Invitae), Labcorp); PubMed 22799562 (cited by Labcorp Genetics (formerly Invitae), Labcorp); PubMed 20501893 (cited by Labcorp Genetics (formerly Invitae), Labcorp); PubMed 26176610 (cited by Labcorp Genetics (formerly Invitae), Labcorp).